The following is an entry in ClinVar:

ClinVar aggregate classification (germline): Uncertain significance. Review status: criteria provided, multiple submitters, no conflicts (2 of 4 stars). 3 submissions from 3 submitters: Uncertain significance (3). Last evaluated 2025-06-18.

Conditions:
Colorectal cancer. Also called: Colorectal cancer, somatic; Malignant Colorectal Neoplasm. Identifiers: MedGen C0346629, MONDO:0005575, OMIM 114500.

Allele frequency attached by ClinVar (database versions not stated): ExAC 0.00001; gnomAD 0.00001; gnomAD exomes 0.00001; TOPMed 0.00001.
gnomAD v4.1: 22 of 1,614,122 alleles (0.0014%); highest among the groups gnomAD compares: Non-Finnish European, 0.0018%; no homozygotes.

Submissions (3):

Ambry Genetics
Classification: Uncertain significance. Last evaluated: 2025-06-18. Review status: criteria provided, single submitter. Criteria: Ambry Variant Classification Scheme 2023. Collection method: clinical testing. Allele origin: germline.

Labcorp Genetics (formerly Invitae), Labcorp
Classification: Uncertain significance. Last evaluated: 2024-10-07. Review status: criteria provided, single submitter. Criteria: Invitae Variant Classification Sherloc (09022015). Collection method: clinical testing. Allele origin: germline.
Comment: This sequence change replaces histidine, which is basic and polar, with aspartic acid, which is acidic and polar, at codon 1451 of the DLC1 protein (p.His1451Asp). This variant is present in population databases (rs777832666, gnomAD 0.0009%). This variant has not been reported in the literature in individuals affected with DLC1-related conditions. ClinVar contains an entry for this variant (Variation ID: 2180899). An algorithm developed to predict the effect of missense changes on protein structure and function (PolyPhen-2) suggests that this variant is likely to be disruptive. In summary, the available evidence is currently insufficient to determine the role of this variant in disease. Therefore, it has been classified as a Variant of Uncertain Significance.

Fulgent Genetics
Classification: Uncertain significance for Colorectal cancer. Last evaluated: 2024-05-20. Review status: criteria provided, single submitter. Criteria: ACMG Guidelines, 2015. Collection method: clinical testing. Allele origin: germline.

NM_182643.3(DLC1):c.4351C>G (p.His1451Asp)

Gene: DLC1 (DLC1 Rho GTPase activating protein; minus strand). Cytogenetic location: 8p22.
Variant type: single nucleotide variant.
Coding change: c.4351C>G on transcript NM_182643.3 (MANE Select); coding-DNA position 4351, C replaced by G.
Protein change: p.His1451Asp; replaces histidine 1451 with aspartic acid.
Molecular consequence: missense variant.
Genome position (GRCh38, 1-based): chr8:13,086,405, G>C on the plus strand (C>G on the coding strand, the complement: DLC1 is on the minus strand). VCF-style: chr8-13086405-G-C. GRCh37 (hg19) VCF-style: chr8-12943914-G-C.
Other names: c.2818C>G, p.His940Asp (NM_001164271.2, NM_001348082.2, NM_001348083.1 and 6 more transcripts); c.3142C>G, p.His1048Asp (NM_001316668.2); c.4351C>G, p.His1451Asp (NM_001348081.2, NM_001413124.1); c.2923C>G, p.His975Asp (NM_001413129.1); c.3133C>G, p.His1045Asp (NM_001413130.1); c.2791C>G, p.His931Asp (NM_001413131.1, NM_001413137.1); c.3277C>G, p.His1093Asp (NM_001413132.1); c.3040C>G, p.His1014Asp (NM_001413135.1, NM_006094.5); and 3 more; short protein forms H975D, H1014D, H1048D, H1059D, H1093D, H931D, H940D, H1045D.
Identifiers: ClinVar variation 2180899 (VCV002180899.6), dbSNP rs777832666, ClinGen allele CA4637945.
Genomic context (GRCh38, chr8:13,086,405, plus strand): 5'-CAATCAAATACCTGGACAAGAGCACATTAACCCTCACACCCACCACAGGTGCGCGATCGT[G>C]ATCCACAGAGGTTAGTAAAAGGGCACAGGCTCCTTTGGGTAAATTAGTCCTCCAGGTTCT-3'
Protein context (NP_872584.2, residues 1441-1461): ACALLLTSVD[His1451Asp]DRAPVVGVRV